The following is an entry in ClinVar:

ClinVar aggregate classification (germline): Pathogenic (1 of 4 stars; one submission).

Submission:

GeneDx
Classification: Pathogenic. Last evaluated: 2019-10-23. Review status: criteria provided, single submitter. Criteria: GeneDx Variant Classification Process June 2021. Collection method: clinical testing. Allele origin: germline. Affected: yes.
Comment: Nonsense variant predicted to result in protein truncation or nonsense mediated decay in a gene for which loss-of-function is a known mechanism of disease; Not observed in large population cohorts (Lek et al., 2016); Has not been previously published as pathogenic or benign to our knowledge

NM_001079.4(ZAP70):c.117C>A (p.Cys39Ter)

Gene: ZAP70 (zeta chain of T cell receptor associated protein kinase 70; plus strand). Cytogenetic location: 2q11.2.
Variant type: single nucleotide variant.
Coding change: c.117C>A on transcript NM_001079.4 (MANE Select); coding-DNA position 117, C replaced by A.
Protein change: p.Cys39Ter; replaces cysteine 39 with a stop codon.
Molecular consequence: nonsense.
Genome position (GRCh38, 1-based): chr2:97,724,153, C>A. VCF-style: chr2-97724153-C-A. GRCh37 (hg19) VCF-style: chr2-98340616-C-A.
Other names: c.117C>A, p.Cys39Ter (NM_001378594.1); short protein forms C39*.
Identifiers: ClinVar variation 489150 (VCV000489150.2), dbSNP rs897972295, ClinGen allele CA347788238.